The following is an entry in ClinVar:

ClinVar aggregate classification (germline): Uncertain significance (1 of 4 stars; one submission).

Conditions:
Charcot-Marie-Tooth disease axonal type 2O. Also called: CHARCOT-MARIE-TOOTH NEUROPATHY, AXONAL, TYPE 2O; CHARCOT-MARIE-TOOTH DISEASE, AXONAL, AUTOSOMAL DOMINANT, TYPE 2O; Charcot-Marie-Tooth Neuropathy Type 2O; Charcot-Marie-Tooth disease, axonal, type 20. Identifiers: Orphanet 284232, MedGen C3280220, MONDO:0013644, OMIM 614228.

Submission:

Labcorp Genetics (formerly Invitae), Labcorp
Classification: Uncertain significance for Charcot-Marie-Tooth disease axonal type 2O. Last evaluated: 2025-11-05. Review status: criteria provided, single submitter. Criteria: Invitae Variant Classification Sherloc (09022015). Collection method: clinical testing. Allele origin: germline.
Comment: This sequence change replaces serine, which is neutral and polar, with isoleucine, which is neutral and non-polar, at codon 1840 of the DYNC1H1 protein (p.Ser1840Ile). This variant is not present in population databases (gnomAD no frequency). This variant has not been reported in the literature in individuals affected with DYNC1H1-related conditions. ClinVar contains an entry for this variant (Variation ID: 1054596). Invitae Evidence Modeling of protein sequence and biophysical properties (such as structural, functional, and spatial information, amino acid conservation, physicochemical variation, residue mobility, and thermodynamic stability) indicates that this missense variant is not expected to disrupt DYNC1H1 protein function with a negative predictive value of 95%. In summary, the available evidence is currently insufficient to determine the role of this variant in disease. Therefore, it has been classified as a Variant of Uncertain Significance.

NM_001376.5(DYNC1H1):c.5519G>T (p.Ser1840Ile)

Gene: DYNC1H1 (dynein cytoplasmic 1 heavy chain 1; plus strand). Cytogenetic location: 14q32.31.
Variant type: single nucleotide variant.
Coding change: c.5519G>T on transcript NM_001376.5 (MANE Select); coding-DNA position 5519, G replaced by T.
Protein change: p.Ser1840Ile; replaces serine 1840 with isoleucine.
Molecular consequence: missense variant.
Genome position (GRCh38, 1-based): chr14:102,005,973, G>T. VCF-style: chr14-102005973-G-T. GRCh37 (hg19) VCF-style: chr14-102472310-G-T.
Other names: short protein forms S1840I.
Identifiers: ClinVar variation 1054596 (VCV001054596.9), dbSNP rs2141289622, ClinGen allele CA391048220.